The following is an entry in ClinVar:

ClinVar aggregate classification (germline): Conflicting classifications of pathogenicity. Review status: criteria provided, conflicting classifications (1 of 4 stars). 2 submissions from 2 submitters: Uncertain significance (1); Likely benign (1). Last evaluated 2025-10-28.

Conditions:
Fanconi anemia complementation group O. Also called: RAD51C-Related Fanconi Anemia. Identifiers: Orphanet 84, MedGen C3150653, MONDO:0013248, OMIM 613390.
Hereditary cancer-predisposing syndrome. Also called: Hereditary neoplastic syndrome; Hereditary Cancer Syndrome; Neoplastic Syndromes, Hereditary; Tumor predisposition. Identifiers: Orphanet 140162, MedGen C0027672, MeSH D009386, MONDO:0015356.

Submissions (2):

Ambry Genetics
Classification: Likely benign for Hereditary cancer-predisposing syndrome. Last evaluated: 2025-10-28. Review status: criteria provided, single submitter. Criteria: Ambry Variant Classification Scheme 2023. Collection method: clinical testing. Allele origin: germline.

Labcorp Genetics (formerly Invitae), Labcorp
Classification: Uncertain significance for Fanconi anemia complementation group O. Last evaluated: 2021-03-09. Review status: criteria provided, single submitter. Criteria: Invitae Variant Classification Sherloc (09022015). Collection method: clinical testing. Allele origin: germline.
Comment: This sequence change replaces valine with leucine at codon 23 of the RAD51C protein (p.Val23Leu). The valine residue is moderately conserved and there is a small physicochemical difference between valine and leucine. In summary, the available evidence is currently insufficient to determine the role of this variant in disease. Therefore, it has been classified as a Variant of Uncertain Significance. Algorithms developed to predict the effect of missense changes on protein structure and function (SIFT, PolyPhen-2, Align-GVGD) all suggest that this variant is likely to be tolerated, but these predictions have not been confirmed by published functional studies and their clinical significance is uncertain. This variant has not been reported in the literature in individuals with RAD51C-related conditions. This variant is not present in population databases (ExAC no frequency).

NM_058216.3(RAD51C):c.67G>C (p.Val23Leu)

Gene: RAD51C (RAD51 paralog C; plus strand). Cytogenetic location: 17q22.
Variant type: single nucleotide variant.
Coding change: c.67G>C on transcript NM_058216.3 (MANE Select); coding-DNA position 67, G replaced by C.
Protein change: p.Val23Leu; replaces valine 23 with leucine.
Molecular consequence: missense variant. On other transcripts: non-coding transcript variant (1).
Genome position (GRCh38, 1-based): chr17:58,692,710, G>C. VCF-style: chr17-58692710-G-C. GRCh37 (hg19) VCF-style: chr17-56770071-G-C.
Other names: c.67G>C, p.Val23Leu (NM_002876.4); c.67G>C (NM_058216.1); short protein forms V23L.
Identifiers: ClinVar variation 1375255 (VCV001375255.9), dbSNP rs1386696811, ClinGen allele CA400336854.